The following is an entry in ClinVar:

ClinVar aggregate classification (germline): Uncertain significance (1 of 4 stars; one submission).

Conditions:
RASopathy. Also called: rasopathies; Noonan spectrum disorder. Identifiers: Orphanet 536391, MedGen C5555857, MONDO:0021060.

Submission:

Labcorp Genetics (formerly Invitae), Labcorp
Classification: Uncertain significance for RASopathy. Last evaluated: 2025-08-03. Review status: criteria provided, single submitter. Criteria: Invitae Variant Classification Sherloc (09022015). Collection method: clinical testing. Allele origin: germline.
Comment: This sequence change falls in intron 9 of the MAP2K2 gene. It does not directly change the encoded amino acid sequence of the MAP2K2 protein. It affects a nucleotide within the consensus splice site. This variant is not present in population databases (gnomAD no frequency). This variant has not been reported in the literature in individuals affected with MAP2K2-related conditions. Variants that disrupt the consensus splice site are a relatively common cause of aberrant splicing (PMID: 17576681, 9536098). Algorithms developed to predict the effect of sequence changes on RNA splicing suggest that this variant may disrupt the consensus splice site. In summary, the available evidence is currently insufficient to determine the role of this variant in disease. Therefore, it has been classified as a Variant of Uncertain Significance.

Literature cited by the submitters: PubMed 17576681; PubMed 9536098.

NM_030662.4(MAP2K2):c.1046+5_1046+8del

Gene: MAP2K2 (mitogen-activated protein kinase kinase 2; minus strand). Cytogenetic location: 19p13.3.
Variant type: Deletion.
Coding change: c.1046+5_1046+8del on transcript NM_030662.4 (MANE Select); bases 5 to 8 of the intron after coding-DNA position 1046, 4 bases deleted (GTGG; older notation c.1046+5_1046+8delGTGG).
Molecular consequence: intron variant.
Genome position (GRCh38, 1-based): chr19:4,095,380-4,095,383, CCAC deleted on the plus strand (GTGG on the coding strand, the reverse complement: MAP2K2 is on the minus strand); deleting any 4 consecutive bases within chr19:4,095,380-4,095,384 gives the same sequence; the c. name uses the placement nearest the transcript's 3' end. VCF-style (leftmost placement, unchanged base first): chr19-4095379-TCCAC-T. GRCh37 (hg19) VCF-style: chr19-4095377-TCCAC-T.
Other names: c.767+5_767+8del (NM_001440688.1); c.476+5_476+8del (NM_001440689.1).
Identifiers: ClinVar variation 4811745 (VCV004811745.1).
Genomic context (GRCh38, chr19:4,095,379, plus strand): 5'-ACCCAGGACCCGGAAGGAGTGGCACATCTGGGTCCCGGCCAGGGGTGTGGGCAGCCCGGC[TCCAC>T]CTACCATTTATTGACAAACTCCTGGAAGTCGGGGGTGAACACACCGTTGGGCAGCTTAGG-3'